The following is an entry in ClinVar:

ClinVar aggregate classification (germline): Pathogenic (1 of 4 stars; one submission).

Submission:

GeneDx
Classification: Pathogenic. Last evaluated: 2026-06-02. Review status: criteria provided, single submitter. Criteria: GeneDx Variant Classification Process June 2021. Collection method: clinical testing. Allele origin: germline.
Comment: Nonsense variant predicted to result in protein truncation or nonsense mediated decay in a gene for which loss of function is a known mechanism of disease; Not observed at significant frequency in large population cohorts (gnomAD); Has not been previously published as pathogenic or benign to our knowledge

NM_001146156.2(GSK3B):c.883C>T (p.Gln295Ter)

Gene: GSK3B (glycogen synthase kinase 3 beta; minus strand). Cytogenetic location: 3q13.33.
Variant type: single nucleotide variant.
Coding change: c.883C>T on transcript NM_001146156.2 (MANE Select); coding-DNA position 883, C replaced by T.
Protein change: p.Gln295Ter; replaces glutamine 295 with a stop codon.
Molecular consequence: nonsense.
Genome position (GRCh38, 1-based): chr3:119,876,439, G>A on the plus strand (C>T on the coding strand, the complement: GSK3B is on the minus strand). VCF-style: chr3-119876439-G-A. GRCh37 (hg19) VCF-style: chr3-119595286-G-A.
Other names: c.883C>T, p.Gln295Ter (NM_001354596.2, NM_002093.4); short protein forms Q295*.
Identifiers: ClinVar variation 3390611 (VCV003390611.2).
Genomic context (GRCh38, chr3:119,876,439, plus strand): 5'-CTGATTAATATACTTAAAAAAAAATCTAACTCACCTTAGTCCAAGGATGTGCCTTAATTT[G>A]AGGGAATTTAAATTCTGTGTAGTTTGGGTTCATTTCTCTGATTTGCTCCCTTGTTGGAGT-3'